The following is an entry in ClinVar:

ClinVar aggregate classification (germline): Uncertain significance. Review status: criteria provided, multiple submitters, no conflicts (2 of 4 stars). 2 submissions from 2 submitters: Uncertain significance (2). Last evaluated 2025-03-04.

Conditions:
Inborn genetic diseases. Identifiers: MedGen C0950123, MeSH D030342.

Allele frequency attached by ClinVar (database versions not stated): gnomAD 0.00002; 1000 Genomes Project 30x 0.00016.
gnomAD v4.1: 37 of 1,609,718 alleles (0.0023%); highest among the groups gnomAD compares: East Asian, 0.0045%; no homozygotes.

Submissions (2):

Ambry Genetics
Classification: Uncertain significance for Inborn genetic diseases. Last evaluated: 2025-03-04. Review status: criteria provided, single submitter. Criteria: Ambry Variant Classification Scheme 2023. Collection method: clinical testing. Allele origin: germline.

Labcorp Genetics (formerly Invitae), Labcorp
Classification: Uncertain significance. Last evaluated: 2021-09-25. Review status: criteria provided, single submitter. Criteria: Invitae Variant Classification Sherloc (09022015). Collection method: clinical testing. Allele origin: germline.
Comment: This sequence change replaces proline with leucine at codon 907 of the PTPN23 protein (p.Pro907Leu). The proline residue is weakly conserved and there is a moderate physicochemical difference between proline and leucine. This variant is present in population databases (rs149516203, ExAC 0.02%). This variant has not been reported in the literature in individuals affected with PTPN23-related conditions. Algorithms developed to predict the effect of missense changes on protein structure and function are either unavailable or do not agree on the potential impact of this missense change (SIFT: "Tolerated"; PolyPhen-2: "Not Available"; Align-GVGD: "Class C0"). In summary, the available evidence is currently insufficient to determine the role of this variant in disease. Therefore, it has been classified as a Variant of Uncertain Significance.

NM_015466.4(PTPN23):c.2720C>T (p.Pro907Leu)

Gene: PTPN23 (protein tyrosine phosphatase non-receptor type 23; plus strand). Cytogenetic location: 3p21.31.
Variant type: single nucleotide variant.
Coding change: c.2720C>T on transcript NM_015466.4 (MANE Select); coding-DNA position 2720, C replaced by T.
Protein change: p.Pro907Leu; replaces proline 907 with leucine.
Molecular consequence: missense variant.
Genome position (GRCh38, 1-based): chr3:47,410,518, C>T. VCF-style: chr3-47410518-C-T. GRCh37 (hg19) VCF-style: chr3-47452008-C-T.
Other names: c.2342C>T, p.Pro781Leu (NM_001304482.2); c.2720C>T (NM_015466.2); short protein forms P907L, P781L.
Identifiers: ClinVar variation 1386690 (VCV001386690.4), dbSNP rs149516203, ClinGen allele CA2366110.
Genomic context (GRCh38, chr3:47,410,518, plus strand): 5'-TCCAGGCGCCCATCCCCAGCCACACAGCCCCACGGCCAAACCCCACCCCTGCTCCTCCCC[C>T]GCCCTGCTTCCCTGTGCCCCCACCGCAGCCACTGCCCACGCCTTACACCTACCCTGCAGG-3'
Protein context (NP_056281.1, residues 897-917): PRPNPTPAPP[Pro907Leu]PCFPVPPPQP